The following is an entry in ClinVar:

ClinVar aggregate classification (germline): Pathogenic (1 of 4 stars; one submission).

Conditions:
Walker-Warburg congenital muscular dystrophy. Also called: Muscular dystrophy-dystroglycanopathy, type A; Walker-Warburg syndrome. Identifiers: Orphanet 899, MedGen C0265221, MONDO:0000171.

Submission:

Labcorp Genetics (formerly Invitae), Labcorp
Classification: Pathogenic for Walker-Warburg congenital muscular dystrophy. Last evaluated: 2022-10-21. Review status: criteria provided, single submitter. Criteria: Invitae Variant Classification Sherloc (09022015). Collection method: clinical testing. Allele origin: unknown.
Comment: For these reasons, this variant has been classified as Pathogenic. This variant has not been reported in the literature in individuals affected with FKTN-related conditions. This variant is a gross deletion of the genomic region encompassing exon(s) 6 of the FKTN gene. This deletion is out-of-frame, and is expected to create a premature termination codon and result in an absent or disrupted protein product. Loss-of-function variants in FKTN are known to be pathogenic (PMID: 17044012, 17878207, 18752264).

Literature cited by the submitters: PubMed 17044012; PubMed 17878207; PubMed 18752264.

NC_000009.11:g.(?_108366486)_(108368857_?)del

Gene: FKTN (fukutin; plus strand). Cytogenetic location: 9q31.2.
Variant type: Deletion.
Identifiers: ClinVar variation 3245098 (VCV003245098.1).